The following is an entry in ClinVar:

NM_001042492.3(NF1):c.5251dup (p.Thr1751fs)

Gene: NF1 (neurofibromin 1; plus strand). Cytogenetic location: 17q11.2.
Variant type: Duplication.
Coding change: c.5251dup on transcript NM_001042492.3 (MANE Select); coding-DNA position 5251, one base duplicated (A; older notation c.5251dupA).
Protein change: p.Thr1751fs; shifts the reading frame from threonine 1751.
Molecular consequence: frameshift variant.
Genome position (GRCh38, 1-based): chr17:31,326,235, A duplicated. VCF-style (leftmost placement, unchanged base first): chr17-31326234-C-CA. GRCh37 (hg19) VCF-style: chr17-29653252-C-CA.
Other names: c.5188dup, p.Thr1730Asnfs (NM_000267.4); short protein forms T1730fs, T1751fs.
Identifiers: ClinVar variation 1391461 (VCV001391461.6), dbSNP rs2151539064, ClinGen allele CA2573153383.

ClinVar aggregate classification (germline): Pathogenic (1 of 4 stars; one submission).

Conditions:
Neurofibromatosis, type 1 (NF1). Also called: VON RECKLINGHAUSEN DISEASE; Neurofibromatosis, type I; NEUROFIBROMATOSIS, TYPE I, SOMATIC; Peripheral type neurofibromatosis. Identifiers: Orphanet 636, MedGen C0027831, MONDO:0018975, OMIM 162200. Disease mechanism: loss of function.

Submission:

Labcorp Genetics (formerly Invitae), Labcorp
Classification: Pathogenic for Neurofibromatosis, type 1. Last evaluated: 2020-11-10. Review status: criteria provided, single submitter. Criteria: Invitae Variant Classification Sherloc (09022015). Collection method: clinical testing. Allele origin: germline.
Comment: This variant has not been reported in the literature in individuals with NF1-related conditions. For these reasons, this variant has been classified as Pathogenic. This variant is not present in population databases (ExAC no frequency). This sequence change creates a premature translational stop signal (p.Thr1730Asnfs*6) in the NF1 gene. It is expected to result in an absent or disrupted protein product. Loss-of-function variants in NF1 are known to be pathogenic (PMID: 10712197, 23913538).

Literature cited by the submitters: PubMed 10712197; PubMed 23913538.